The following is an entry in ClinVar:

NM_014363.6(SACS):c.9173T>G (p.Leu3058Arg)

Gene: SACS (sacsin molecular chaperone; minus strand). Cytogenetic location: 13q12.12.
Variant type: single nucleotide variant.
Coding change: c.9173T>G on transcript NM_014363.6 (MANE Select); coding-DNA position 9173, T replaced by G.
Protein change: p.Leu3058Arg; replaces leucine 3058 with arginine.
Molecular consequence: missense variant.
Genome position (GRCh38, 1-based): chr13:23,334,703, A>C on the plus strand (T>G on the coding strand, the complement: SACS is on the minus strand). VCF-style: chr13-23334703-A-C. GRCh37 (hg19) VCF-style: chr13-23908842-A-C.
Other names: c.8732T>G, p.Leu2911Arg (NM_001278055.2); short protein forms L3058R, L2911R.
Identifiers: ClinVar variation 448228 (VCV000448228.8), dbSNP rs758654165, ClinGen allele CA6910654.
Genomic context (GRCh38, chr13:23,334,703, plus strand): 5'-TTAGCAGTTTCATCACAGTTATAAACCAAGTTGAAACCAATTTCTAAAAGGAGATGTTTC[A>C]GCCTATAGACATTCTCTGCTACTGTTTTGCGTGTGGTGATATTATAATCTGCATTTTTAA-3'
Protein context (NP_055178.3, residues 3048-3068): RKTVAENVYR[Leu3058Arg]KHLLLEIGFN

ClinVar aggregate classification (germline): Conflicting classifications of pathogenicity. Review status: criteria provided, conflicting classifications (1 of 4 stars). 5 submissions from 5 submitters: Uncertain significance (3); Likely benign (1). 1 of the submissions does not count toward it. Last evaluated 2026-07-01.

Conditions:
Inborn genetic diseases. Identifiers: MedGen C0950123, MeSH D030342.
Spastic paraplegia. Identifiers: MedGen C0037772, HP:0001258.
Charlevoix-Saguenay spastic ataxia (SACS). Also called: SPASTIC ATAXIA 6, AUTOSOMAL RECESSIVE; AUTOSOMAL RECESSIVE SPASTIC ATAXIA OF CHARLEVOIX-SAGUENAY; Spastic ataxia of Charlevoix-Saguenay. Identifiers: Orphanet 98, MedGen C1849140, MONDO:0010041, OMIM 270550.

Allele frequency attached by ClinVar (database versions not stated): gnomAD 0.00001; gnomAD exomes 0.00001 and 0.00003; ExAC 0.00002; TOPMed 0.00002.
gnomAD v4.1: 9 of 1,613,700 alleles (0.00056%); highest among the groups gnomAD compares: Admixed American, 0.01%; no homozygotes.

Submissions (5):

CeGaT Center for Human Genetics Tuebingen
Classification: Uncertain significance. Last evaluated: 2026-07-01. Review status: criteria provided, single submitter. Criteria: CeGaT Center For Human Genetics Tuebingen Variant Classification Criteria Version 2. Collection method: clinical testing. Allele origin: germline. Affected: yes. Observed: 1 variant allele.
Comment: SACS: PM2, PP3

Ambry Genetics
Classification: Uncertain significance for Inborn genetic diseases. Last evaluated: 2024-11-27. Review status: criteria provided, single submitter. Criteria: Ambry Variant Classification Scheme 2023. Collection method: clinical testing. Allele origin: germline.

Labcorp Genetics (formerly Invitae), Labcorp
Classification: Likely benign for Spastic paraplegia. Last evaluated: 2024-10-22. Review status: criteria provided, single submitter. Criteria: Invitae Variant Classification Sherloc (09022015). Collection method: clinical testing. Allele origin: germline.

Athena Diagnostics
Classification: Uncertain significance. Last evaluated: 2017-01-20. Review status: criteria provided, single submitter. Criteria: Athena Diagnostics Criteria. Collection method: clinical testing. Allele origin: germline.

Natera, Inc.
Classification: Uncertain significance for Charlevoix-Saguenay type spastic ataxia. Last evaluated: 2019-11-11. Review status: no assertion criteria provided. Collection method: clinical testing. Allele origin: germline. Not counted in ClinVar's aggregate classification.